The following is an entry in ClinVar:

NM_001846.4(COL4A2):c.3248A>G (p.Glu1083Gly)

Gene: COL4A2 (collagen type IV alpha 2 chain; plus strand). Cytogenetic location: 13q34.
Variant type: single nucleotide variant.
Coding change: c.3248A>G on transcript NM_001846.4 (MANE Select); coding-DNA position 3248, A replaced by G.
Protein change: p.Glu1083Gly; replaces glutamic acid 1083 with glycine.
Molecular consequence: missense variant.
Genome position (GRCh38, 1-based): chr13:110,489,485, A>G. VCF-style: chr13-110489485-A-G. GRCh37 (hg19) VCF-style: chr13-111141832-A-G.
Other names: c.3248A>G (NM_001846.3, NM_001846.2); short protein forms E1083G.
Identifiers: ClinVar variation 1977761 (VCV001977761.7), dbSNP rs2502177866, ClinGen allele CA388730721.
Genomic context (GRCh38, chr13:110,489,485, plus strand): 5'-TGGTTCATGTCTGTCTTTAGGGTGACAAAGGTGCCCCAGGGAGAGCAGGCCTGTATGGCG[A>G]GATTGGCGCGACTGGTGATTTCGGTGAGTGTTGCCCGTCCAGTGAAAACAGGGAGTCCAC-3'
Protein context (NP_001837.2, residues 1073-1093): GAPGRAGLYG[Glu1083Gly]IGATGDFGDI

ClinVar aggregate classification (germline): Uncertain significance. Review status: criteria provided, multiple submitters, no conflicts (2 of 4 stars). 3 submissions from 3 submitters: Uncertain significance (3). Last evaluated 2025-06-18.

Conditions:
COL4A2-related disorder. Also called: COL4A2-related disorders; COL4A2-related condition.
Inborn genetic diseases. Identifiers: MedGen C0950123, MeSH D030342.

Submissions (3):

Ambry Genetics
Classification: Uncertain significance for Inborn genetic diseases. Last evaluated: 2025-06-18. Review status: criteria provided, single submitter. Criteria: Ambry Variant Classification Scheme 2023. Collection method: clinical testing. Allele origin: germline.

PreventionGenetics, part of Exact Sciences
Classification: Uncertain significance for COL4A2-related condition. Last evaluated: 2025-01-27. Review status: criteria provided, single submitter. Criteria: ACMG Guidelines, 2015. Collection method: clinical testing. Allele origin: germline.
Comment: The COL4A2 c.3248A>G variant is predicted to result in the amino acid substitution p.Glu1083Gly. To our knowledge, this variant has not been reported in the literature or in a large population database (gnomAD), indicating this variant is rare. At this time, the clinical significance of this variant is uncertain due to the absence of conclusive functional and genetic evidence.

Labcorp Genetics (formerly Invitae), Labcorp
Classification: Uncertain significance. Last evaluated: 2022-08-09. Review status: criteria provided, single submitter. Criteria: Invitae Variant Classification Sherloc (09022015). Collection method: clinical testing. Allele origin: germline.
Comment: This variant has not been reported in the literature in individuals affected with COL4A2-related conditions. This sequence change replaces glutamic acid, which is acidic and polar, with glycine, which is neutral and non-polar, at codon 1083 of the COL4A2 protein (p.Glu1083Gly). This variant is not present in population databases (gnomAD no frequency). Advanced modeling of protein sequence and biophysical properties (such as structural, functional, and spatial information, amino acid conservation, physicochemical variation, residue mobility, and thermodynamic stability) performed at Invitae indicates that this missense variant is not expected to disrupt COL4A2 protein function. In summary, the available evidence is currently insufficient to determine the role of this variant in disease. Therefore, it has been classified as a Variant of Uncertain Significance.